The following is an entry in ClinVar:

ClinVar aggregate classification (germline): Uncertain significance (1 of 4 stars; one submission).

gnomAD v4.1: 8 of 1,614,128 alleles (0.0005%); highest among the groups gnomAD compares: Middle Eastern, 0.033%; no homozygotes.

Submission:

GeneDx
Classification: Uncertain significance. Last evaluated: 2025-04-27. Review status: criteria provided, single submitter. Criteria: GeneDx Variant Classification Process June 2021. Collection method: clinical testing. Allele origin: germline. Affected: yes.
Comment: Not observed at significant frequency in large population cohorts (gnomAD); In silico analysis indicates that this missense variant does not alter protein structure/function; Has not been previously published as pathogenic or benign to our knowledge

NM_144596.4(TTC8):c.421A>T (p.Thr141Ser)

Gene: TTC8 (tetratricopeptide repeat domain 8; plus strand). Cytogenetic location: 14q31.3.
Variant type: single nucleotide variant.
Coding change: c.421A>T on transcript NM_144596.4 (MANE Select); coding-DNA position 421, A replaced by T.
Protein change: p.Thr141Ser; replaces threonine 141 with serine.
Molecular consequence: missense variant. On other transcripts: 5 prime UTR variant (2), non-coding transcript variant (1).
Genome position (GRCh38, 1-based): chr14:88,841,128, A>T. VCF-style: chr14-88841128-A-T. GRCh37 (hg19) VCF-style: chr14-89307472-A-T.
Other names: c.391A>T, p.Thr131Ser (NM_001288781.1, NM_001366535.2, NM_001366536.2 and 2 more transcripts); c.-172A>T (NM_001288782.1); c.-267A>T (NM_001288783.1); short protein forms T131S, T141S.
Identifiers: ClinVar variation 4527778 (VCV004527778.1).
Genomic context (GRCh38, chr14:88,841,128, plus strand): 5'-GGTTTCCTCAGGCCCAGCACGCAGAGTGGAAGGCCAGGCACTATGGAACAGGCTATCAGA[A>T]CACCCAGAACCGCCTACACAGCCCGCCCTATCACCAGCTCCTCCGGAAGATTTGTCAGGC-3'
Protein context (NP_653197.2, residues 131-151): RPGTMEQAIR[Thr141Ser]PRTAYTARPI